The following is an entry in ClinVar:

NM_181703.4(GJA5):c.925G>A (p.Gly309Arg)

Gene: GJA5 (gap junction protein alpha 5; minus strand). Cytogenetic location: 1q21.2.
Variant type: single nucleotide variant.
Coding change: c.925G>A on transcript NM_181703.4 (MANE Select); coding-DNA position 925, G replaced by A.
Protein change: p.Gly309Arg; replaces glycine 309 with arginine.
Molecular consequence: missense variant.
Genome position (GRCh38, 1-based): chr1:147,758,314, C>T on the plus strand (G>A on the coding strand, the complement: GJA5 is on the minus strand). VCF-style: chr1-147758314-C-T. GRCh37 (hg19) VCF-style: chr1-147230422-C-T.
Other names: c.925G>A, p.Gly309Arg (NM_005266.7); short protein forms G309R.
Identifiers: ClinVar variation 2940977 (VCV002940977.3), dbSNP rs1663824004, ClinGen allele CA342394005.

ClinVar aggregate classification (germline): Uncertain significance (1 of 4 stars; one submission).

Conditions:
Atrial fibrillation, familial, 11 (ATFB11). Identifiers: MedGen C3279693, MONDO:0013544, OMIM 614049.
Atrial standstill 1 (ATRST1). Also called: ATRIAL CARDIOMYOPATHY WITH HEART BLOCK; CARDIOMYOPATHY, FAMILIAL, WITH CONDUCTION DISTURBANCE; Atrial standstill, digenic (GJA5/SCN5A). Identifiers: Orphanet 1344, MedGen C4551959, MONDO:0007171, OMIM 108770.

Submission:

Labcorp Genetics (formerly Invitae), Labcorp
Classification: Uncertain significance for Atrial fibrillation, familial, 11; Atrial standstill 1. Last evaluated: 2022-11-15. Review status: criteria provided, single submitter. Criteria: Invitae Variant Classification Sherloc (09022015). Collection method: clinical testing. Allele origin: germline.
Comment: This variant has not been reported in the literature in individuals affected with GJA5-related conditions. This variant is not present in population databases (gnomAD no frequency). This sequence change replaces glycine, which is neutral and non-polar, with arginine, which is basic and polar, at codon 309 of the GJA5 protein (p.Gly309Arg). Algorithms developed to predict the effect of missense changes on protein structure and function output the following: SIFT: "Not Available"; PolyPhen-2: "Benign"; Align-GVGD: "Not Available". The arginine amino acid residue is found in multiple mammalian species, which suggests that this missense change does not adversely affect protein function. In summary, the available evidence is currently insufficient to determine the role of this variant in disease. Therefore, it has been classified as a Variant of Uncertain Significance.